The following is an entry in ClinVar:

ClinVar aggregate classification (germline): Uncertain significance. Review status: criteria provided, multiple submitters, no conflicts (2 of 4 stars). 7 submissions from 5 submitters: Uncertain significance (7). Last evaluated 2025-08-30.

Conditions:
Amyotrophic lateral sclerosis type 5 (ALS5). Also called: AMYOTROPHIC LATERAL SCLEROSIS 5, JUVENILE. Identifiers: Orphanet 300605, MedGen C1865864, MONDO:0011196, OMIM 602099.
Hereditary spastic paraplegia. Also called: Familial spastic paraparesis. Identifiers: Orphanet 685, MedGen C0037773, MONDO:0019064. Disease mechanism: loss of function.
Hereditary spastic paraplegia 11. Also called: Nakamura Osame syndrome; Autosomal recessive hereditary spastic paraplegia, mental impairment, and thin corpus callosum; Spastic Paraplegia 11; Spastic paraplegia, mental retardation and thin corpus callosum; SPASTIC PARAPLEGIA, AUTOSOMAL RECESSIVE, COMPLICATED, WITH THIN CORPUS CALLOSUM; SPASTIC PARAPLEGIA, AUTOSOMAL RECESSIVE, WITH MENTAL IMPAIRMENT AND THIN CORPUS CALLOSUM. Identifiers: Orphanet 2822, MedGen C1858479, MONDO:0011445, OMIM 604360.
Inborn genetic diseases. Identifiers: MedGen C0950123, MeSH D030342.
Charcot-Marie-Tooth disease axonal type 2X. Also called: CHARCOT-MARIE-TOOTH DISEASE, AXONAL, AUTOSOMAL RECESSIVE, TYPE 2X; CHARCOT-MARIE-TOOTH NEUROPATHY, TYPE 2X. Identifiers: Orphanet 466775, MedGen C5569024, MONDO:0014726, OMIM 616668.

Allele frequency attached by ClinVar (database versions not stated): gnomAD 0.00001; TOPMed 0.00001.
gnomAD v4.1: 11 of 1,614,094 alleles (0.00068%); highest among the groups gnomAD compares: Non-Finnish European, 0.00093%; no homozygotes.

Submissions (7):

Ambry Genetics
Classification: Uncertain significance for Inborn genetic diseases. Last evaluated: 2025-08-30. Review status: criteria provided, single submitter. Criteria: Ambry Variant Classification Scheme 2023. Collection method: clinical testing. Allele origin: germline.

Labcorp Genetics (formerly Invitae), Labcorp
Classification: Uncertain significance for Hereditary spastic paraplegia 11. Last evaluated: 2022-08-23. Review status: criteria provided, single submitter. Criteria: Invitae Variant Classification Sherloc (09022015). Collection method: clinical testing. Allele origin: germline.
Comment: This sequence change replaces cysteine, which is neutral and slightly polar, with tyrosine, which is neutral and polar, at codon 2006 of the SPG11 protein (p.Cys2006Tyr). This variant is present in population databases (no rsID available, gnomAD 0.0009%). This variant has not been reported in the literature in individuals affected with SPG11-related conditions. ClinVar contains an entry for this variant (Variation ID: 1311760). Algorithms developed to predict the effect of missense changes on protein structure and function are either unavailable or do not agree on the potential impact of this missense change (SIFT: "Deleterious"; PolyPhen-2: "Probably Damaging"; Align-GVGD: "Class C0"). In summary, the available evidence is currently insufficient to determine the role of this variant in disease. Therefore, it has been classified as a Variant of Uncertain Significance.

GeneDx
Classification: Uncertain significance. Last evaluated: 2020-01-10. Review status: criteria provided, single submitter. Criteria: GeneDx Variant Classification Process June 2021. Collection method: clinical testing. Allele origin: germline. Affected: yes.
Comment: Not observed at a significant frequency in large population cohorts (Lek et al., 2016); In silico analysis, which includes protein predictors and evolutionary conservation, supports a deleterious effect; Has not been previously published as pathogenic or benign to our knowledge

Genome Diagnostics Laboratory, The Hospital for Sick Children
Classification: Uncertain significance for Hereditary spastic paraplegia. Last evaluated: 2016-12-12. Review status: criteria provided, single submitter. Criteria: ACMG Guidelines, 2015. Collection method: clinical testing. Allele origin: germline. Affected: yes.

Genome-Nilou Lab
Classification: Uncertain significance for Amyotrophic lateral sclerosis type 5. Review status: criteria provided, single submitter. Criteria: ACMG Guidelines, 2015. Collection method: clinical testing. Allele origin: germline.

Genome-Nilou Lab
Classification: Uncertain significance for Charcot-Marie-Tooth disease axonal type 2X. Review status: criteria provided, single submitter. Criteria: ACMG Guidelines, 2015. Collection method: clinical testing. Allele origin: germline.

Genome-Nilou Lab
Classification: Uncertain significance for Hereditary spastic paraplegia 11. Review status: criteria provided, single submitter. Criteria: ACMG Guidelines, 2015. Collection method: clinical testing. Allele origin: germline.

NM_025137.4(SPG11):c.6017G>A (p.Cys2006Tyr)

Gene: SPG11 (SPG11 vesicle trafficking associated, spatacsin; minus strand). Cytogenetic location: 15q21.1.
Variant type: single nucleotide variant.
Coding change: c.6017G>A on transcript NM_025137.4 (MANE Select); coding-DNA position 6017, G replaced by A.
Protein change: p.Cys2006Tyr; replaces cysteine 2006 with tyrosine.
Molecular consequence: missense variant. On other transcripts: intron variant (1).
Genome position (GRCh38, 1-based): chr15:44,573,735, C>T on the plus strand (G>A on the coding strand, the complement: SPG11 is on the minus strand). VCF-style: chr15-44573735-C-T. GRCh37 (hg19) VCF-style: chr15-44865933-C-T.
Other names: c.5867-915G>A (NM_001160227.2); short protein forms C2006Y.
Identifiers: ClinVar variation 1311760 (VCV001311760.11), dbSNP rs1179229360, ClinGen allele CA392218480.
Genomic context (GRCh38, chr15:44,573,735, plus strand): 5'-GAGGCCAAGATTTTCCGGAGCATGGCTTCACCATCCTGAGCAGCAACATCTGTGTAGGAA[C>T]AGCCCAACTCCTGAGAGGAAGACAAAGCCAGTCAAGGCCACTTTTAGAAGCCAGGAAAAA-3'
Protein context (NP_079413.3, residues 1996-2016): CLYDLAKELG[Cys2006Tyr]SYTDVAAQDG